The following is an entry in ClinVar:

ClinVar aggregate classification (germline): Uncertain significance. Review status: criteria provided, multiple submitters, no conflicts (2 of 4 stars). 3 submissions from 3 submitters: Uncertain significance (3). Last evaluated 2024-11-26.

Conditions:
Inborn genetic diseases. Identifiers: MedGen C0950123, MeSH D030342.

Allele frequency attached by ClinVar (database versions not stated): gnomAD 0.00001; gnomAD exomes 0.00001 and 0.00002; TOPMed 0.00002; ExAC 0.00003.
gnomAD v4.1: 19 of 1,613,900 alleles (0.0012%); highest among the groups gnomAD compares: Non-Finnish European, 0.0012%; no homozygotes.

Submissions (3):

Blueprint Genetics
Classification: Uncertain significance. Last evaluated: 2024-11-26. Review status: criteria provided, single submitter. Criteria: ACMG Guidelines, 2015. Collection method: clinical testing. Allele origin: germline.

Ambry Genetics
Classification: Uncertain significance for Inborn genetic diseases. Last evaluated: 2024-01-04. Review status: criteria provided, single submitter. Criteria: Ambry Variant Classification Scheme 2023. Collection method: clinical testing. Allele origin: germline.

Labcorp Genetics (formerly Invitae), Labcorp
Classification: Uncertain significance. Last evaluated: 2022-06-20. Review status: criteria provided, single submitter. Criteria: Invitae Variant Classification Sherloc (09022015). Collection method: clinical testing. Allele origin: germline.
Comment: This sequence change replaces asparagine, which is neutral and polar, with serine, which is neutral and polar, at codon 673 of the GRM6 protein (p.Asn673Ser). This variant is present in population databases (rs751420389, gnomAD 0.006%). This variant has not been reported in the literature in individuals affected with GRM6-related conditions. ClinVar contains an entry for this variant (Variation ID: 1003918). Advanced modeling of protein sequence and biophysical properties (such as structural, functional, and spatial information, amino acid conservation, physicochemical variation, residue mobility, and thermodynamic stability) performed at Invitae indicates that this missense variant is expected to disrupt GRM6 protein function. In summary, the available evidence is currently insufficient to determine the role of this variant in disease. Therefore, it has been classified as a Variant of Uncertain Significance.

NM_000843.4(GRM6):c.2018A>G (p.Asn673Ser)

Genes: GRM6 (glutamate metabotropic receptor 6; minus strand), ZNF454 (zinc finger protein 454; plus strand). Cytogenetic location: 5q35.3.
Variant type: single nucleotide variant.
Coding change: c.2018A>G on transcript NM_000843.4 (MANE Select); coding-DNA position 2018, A replaced by G.
Protein change: p.Asn673Ser; replaces asparagine 673 with serine.
Molecular consequence: missense variant.
Genome position (GRCh38, 1-based): chr5:178,986,236, T>C on the plus strand (A>G on the coding strand, the complement: GRM6 is on the minus strand). VCF-style: chr5-178986236-T-C. GRCh37 (hg19) VCF-style: chr5-178413237-T-C.
Other names: c.2018A>G (NM_000843.3); short protein forms N673S.
Identifiers: ClinVar variation 1003918 (VCV001003918.7), dbSNP rs751420389, ClinGen allele CA3593857.
Genomic context (GRCh38, chr5:178,986,236, plus strand): 5'-CTGATGAAGGGAGGGGGTGTGACCGAGCGCTTGCCCTGCTCAAAGATGCGGTAGATACGG[T>C]TGGTCTTGGTGAGCAGGGCAGAGTAGCTGAGGGTCGTGCCCAGGCCCAGGAAGAGCCTGC-3'
Protein context (NP_000834.2, residues 663-683): LSYSALLTKT[Asn673Ser]RIYRIFEQGK